The following is an entry in ClinVar:

ClinVar aggregate classification (germline): Pathogenic (1 of 4 stars; one submission).

Conditions:
Intellectual developmental disorder with speech delay, autism, and dysmorphic facies. Identifiers: MedGen C5231456, MONDO:0032864, OMIM 618672.

Submission:

Cytogenetique et Genetique Moleculaire, CHU Besancon
Classification: Pathogenic for Intellectual developmental disorder with speech delay, autism, and dysmorphic facies. Last evaluated: 2023-08-13. Review status: criteria provided, single submitter. Criteria: ACMG Guidelines, 2015. Collection method: clinical testing. Allele origin: germline. Affected: yes.
Comment: The NM_014516.4:c.70C>T variant is an nonsense variant in CNOT3 which is predicted to result in a premature stop codon at position 24, and likely results in an absent or disrupted protein product (PVS1). The variant has been identified as a de novo occurrence, without confirmation of paternity and maternity, in one individual with a phenotype consistent with the gene but not highly specific (PM6). This variant is not present in gnomAD (PM2; v4.1.0). In summary, this variant meets criteria to be classified as pathogenic for CNOT3-related neurodevelopmental disorders based on the ACMG/AMP criteria applied (PVS1 PM2 PM6).

NM_014516.4(CNOT3):c.70C>T (p.Gln24Ter)

Gene: CNOT3 (CCR4-NOT transcription complex subunit 3; plus strand). Cytogenetic location: 19q13.42.
Variant type: single nucleotide variant.
Coding change: c.70C>T on transcript NM_014516.4 (MANE Select); coding-DNA position 70, C replaced by T.
Protein change: p.Gln24Ter; replaces glutamine 24 with a stop codon.
Molecular consequence: nonsense.
Genome position (GRCh38, 1-based): chr19:54,143,163, C>T. VCF-style: chr19-54143163-C-T. GRCh37 (hg19) VCF-style: chr19-54646899-C-T.
Other names: short protein forms Q24*.
Identifiers: ClinVar variation 3387820 (VCV003387820.1).
Genomic context (GRCh38, chr19:54,143,163, plus strand): 5'-GTTCCTCCCTGGCCAGGTGAGATTGATCGCTGCCTCAAGAAGGTGTCCGAGGGCGTGGAG[C>T]AGTTTGAAGATATTTGGCAGAAGGTACAGGGGCTGAGACCCTAATAATCTGGGTCTTCAG-3'